The following is an entry in ClinVar:

NM_053025.4(MYLK):c.3652+11G>A

Gene: MYLK (myosin light chain kinase; minus strand). Cytogenetic location: 3q21.1.
Variant type: single nucleotide variant.
Coding change: c.3652+11G>A on transcript NM_053025.4 (MANE Select); 11 bases into the intron after coding-DNA position 3652, G replaced by A.
Molecular consequence: intron variant.
Genome position (GRCh38, 1-based): chr3:123,682,213, C>T on the plus strand (G>A on the coding strand, the complement: MYLK is on the minus strand). VCF-style: chr3-123682213-C-T. GRCh37 (hg19) VCF-style: chr3-123401060-C-T.
Other names: c.3124+11G>A (NM_001321309.2); c.3445+11G>A (NM_053028.4, NM_053026.4); c.3652+11G>A (NM_053027.4).
Identifiers: ClinVar variation 226765 (VCV000226765.22), dbSNP rs41271437, ClinGen allele CA069935.

ClinVar aggregate classification (germline): Benign/Likely benign. Review status: criteria provided, multiple submitters, no conflicts (2 of 4 stars). 11 submissions from 11 submitters: Benign (7); Likely benign (1). 3 of the submissions do not count toward it. Last evaluated 2026-02-04.

Conditions:
Aortic aneurysm, familial thoracic 7 (AAT7). Also called: AORTIC DISSECTION, FAMILIAL, WITH OR WITHOUT AORTIC ANEURYSM. Identifiers: MedGen C3151077, MONDO:0013418, OMIM 613780.

Allele frequency attached by ClinVar (database versions not stated): 1000 Genomes Project 30x 0.01468; 1000 Genomes Project 0.01498; TOPMed 0.02749; gnomAD 0.03217 and 0.03294; ESP Exome Variant Server 0.03261; gnomAD exomes 0.03394; ExAC 0.06559.
gnomAD v4.1: 66,579 of 1,590,224 alleles (4.2%); highest among the groups gnomAD compares: Non-Finnish European, 4.7%; 1,627 homozygotes.

Submissions (11):

Labcorp Genetics (formerly Invitae), Labcorp
Classification: Benign for Aortic aneurysm, familial thoracic 7. Last evaluated: 2026-02-04. Review status: criteria provided, single submitter. Criteria: Invitae Variant Classification Sherloc (09022015). Collection method: clinical testing. Allele origin: germline.

Blueprint Genetics
Classification: Likely benign. Last evaluated: 2024-11-26. Review status: criteria provided, single submitter. Criteria: ACMG Guidelines, 2015. Collection method: clinical testing. Allele origin: germline.

Women's Health and Genetics/Laboratory Corporation of America, LabCorp
Classification: Benign. Last evaluated: 2019-08-19. Review status: criteria provided, single submitter. Criteria: LabCorp Variant Classification Summary - May 2015. Collection method: clinical testing. Allele origin: germline.
Comment: Variant summary: MYLK c.3652+11G>A alters a non-conserved nucleotide located close to a canonical splice site and therefore could affect mRNA splicing, leading to a significantly altered protein sequence. 5/5 computational tools predict no significant impact on normal splicing. However, these predictions have yet to be confirmed by functional studies. The variant allele was found at a frequency of 0.034 in 247866 control chromosomes in the gnomAD database, including 191 homozygotes. The observed variant frequency is approximately 1366-folds over the estimated maximal expected allele frequency for a pathogenic variant in MYLK causing Aortopathy phenotype (2.5e-05), strongly suggesting that the variant is benign. Two ClinVar submissions (evaluation after 2014) cites the variant as likely benign/benign. Based on the evidence outlined above, the variant was classified as benign.

Illumina Laboratory Services, Illumina
Classification: Benign for Aortic aneurysm, familial thoracic 7. Last evaluated: 2018-01-12. Review status: criteria provided, single submitter. Criteria: ICSL Variant Classification Criteria 13 December 2019. Collection method: clinical testing. Allele origin: germline.
Comment: This variant was observed in the ICSL laboratory as part of a predisposition screen in an ostensibly healthy population. It had not been previously curated by ICSL or reported in the Human Gene Mutation Database (HGMD: prior to June 1st, 2018), and was therefore a candidate for classification through an automated scoring system. Utilizing variant allele frequency, disease prevalence and penetrance estimates, and inheritance mode, an automated score was calculated to assess if this variant is too frequent to cause the disease. Based on the score and internal cut-off values, a variant classified as benign is not then subjected to further curation. The score for this variant resulted in a classification of benign for this disease.

GeneDx
Classification: Benign. Last evaluated: 2016-10-03. Review status: criteria provided, single submitter. Criteria: GeneDx Variant Classification (06012015). Collection method: clinical testing. Allele origin: germline. Affected: yes.
Comment: This variant is considered likely benign or benign based on one or more of the following criteria: it is a conservative change, it occurs at a poorly conserved position in the protein, it is predicted to be benign by multiple in silico algorithms, and/or has population frequency not consistent with disease.

Laboratory for Molecular Medicine, Mass General Brigham Personalized Medicine
Classification: Benign. Last evaluated: 2013-04-04. Review status: criteria provided, single submitter. Criteria: LMM Criteria. Collection method: clinical testing. Allele origin: germline. Observed: 3 variant alleles.
Comment: 3652+11G>A in intron 20 of MYLK: This variant is not expected to have clinical s ignificance because it is not located within the conserved splice consensus sequ ence. It has been identified in 4.5% (386/8598) of European American chromosomes from a broad population by the NHLBI Exome Sequencing Project (dbSNP rs41271437).

Breakthrough Genomics
Classification: Benign. Review status: criteria provided, single submitter. Criteria: ACMG Guidelines, 2015. Collection method: not provided. Allele origin: germline. Inheritance: Autosomal recessive inheritance. Affected: yes.

PreventionGenetics, part of Exact Sciences
Classification: Benign. Review status: criteria provided, single submitter. Criteria: ACMG Guidelines, 2015. Collection method: clinical testing. Allele origin: germline.

Clinical Genetics DNA and cytogenetics Diagnostics Lab, Erasmus MC, Erasmus Medical Center
Classification: Benign. Review status: no assertion criteria provided. Collection method: clinical testing. Allele origin: germline. Affected: yes. Study: VKGL Data-share Consensus. Not counted in ClinVar's aggregate classification.

Genome Diagnostics Laboratory, Amsterdam University Medical Center
Classification: Benign. Review status: no assertion criteria provided. Collection method: clinical testing. Allele origin: germline. Affected: yes. Study: VKGL Data-share Consensus. Not counted in ClinVar's aggregate classification.

Genome Diagnostics Laboratory, University Medical Center Utrecht
Classification: Benign. Review status: no assertion criteria provided. Collection method: clinical testing. Allele origin: germline. Affected: yes. Study: VKGL Data-share Consensus. Not counted in ClinVar's aggregate classification.